The following is an entry in ClinVar:

NM_001129.5(AEBP1):c.1139C>T (p.Thr380Met)

Gene: AEBP1 (AE binding protein 1; plus strand). Cytogenetic location: 7p13.
Variant type: single nucleotide variant.
Coding change: c.1139C>T on transcript NM_001129.5 (MANE Select); coding-DNA position 1139, C replaced by T.
Protein change: p.Thr380Met; replaces threonine 380 with methionine.
Molecular consequence: missense variant.
Genome position (GRCh38, 1-based): chr7:44,109,330, C>T. VCF-style: chr7-44109330-C-T. GRCh37 (hg19) VCF-style: chr7-44148929-C-T.
Other names: short protein forms T380M.
Identifiers: ClinVar variation 1905050 (VCV001905050.5), dbSNP rs781561734, ClinGen allele CA4237764.

ClinVar aggregate classification (germline): Uncertain significance (1 of 4 stars; one submission).

Allele frequency attached by ClinVar (database versions not stated): ExAC 0.00001; gnomAD 0.00002.

Submission:

Labcorp Genetics (formerly Invitae), Labcorp
Classification: Uncertain significance. Last evaluated: 2023-05-16. Review status: criteria provided, single submitter. Criteria: Invitae Variant Classification Sherloc (09022015). Collection method: clinical testing. Allele origin: germline.
Comment: ClinVar contains an entry for this variant (Variation ID: 1905050). An algorithm developed to predict the effect of missense changes on protein structure and function (PolyPhen-2) suggests that this variant is likely to be tolerated. In summary, the available evidence is currently insufficient to determine the role of this variant in disease. Therefore, it has been classified as a Variant of Uncertain Significance. This variant has not been reported in the literature in individuals affected with AEBP1-related conditions. This sequence change replaces threonine, which is neutral and polar, with methionine, which is neutral and non-polar, at codon 380 of the AEBP1 protein (p.Thr380Met). The frequency data for this variant in the population databases is considered unreliable, as metrics indicate poor data quality at this position in the gnomAD database.